The following is an entry in ClinVar:

NM_004341.5(CAD):c.3976del (p.Ser1326fs)

Gene: CAD (carbamoyl-phosphate synthetase 2, aspartate transcarbamylase, and dihydroorotase; plus strand). Cytogenetic location: 2p23.3.
Variant type: Deletion.
Coding change: c.3976del on transcript NM_004341.5 (MANE Select); coding-DNA position 3976, one base deleted (A; older notation c.3976delA).
Protein change: p.Ser1326fs; shifts the reading frame from serine 1326.
Molecular consequence: frameshift variant.
Genome position (GRCh38, 1-based): chr2:27,235,542, A deleted; the last of 4 consecutive A bases (chr2:27,235,539-27,235,542); deleting any one gives the same sequence. VCF-style (leftmost placement, unchanged base first): chr2-27235538-CA-C. GRCh37 (hg19) VCF-style: chr2-27458406-CA-C.
Other names: c.3787del, p.Ser1263fs (NM_001306079.2); short protein forms S1263fs, S1326fs.
Identifiers: ClinVar variation 2695045 (VCV002695045.3), dbSNP rs2465337853, ClinGen allele CA2697547911.
Genomic context (GRCh38, chr2:27,235,538, plus strand): 5'-GCTGACCTTGAAATGGAAGACAGGAAGAAAACAATTTCATCCTTCTGTTTGGTTTCAGAA[CA>C]AAAGCGAGCTGCTCCCAACTGTGCGGCTACTGGAGAGCCTGGGCTACAGCCTCTATGCCA-3'

ClinVar aggregate classification (germline): Pathogenic (1 of 4 stars; one submission).

Submission:

Labcorp Genetics (formerly Invitae), Labcorp
Classification: Pathogenic. Last evaluated: 2023-11-11. Review status: criteria provided, single submitter. Criteria: Invitae Variant Classification Sherloc (09022015). Collection method: clinical testing. Allele origin: germline.
Comment: This sequence change creates a premature translational stop signal (p.Ser1326Alafs*34) in the CAD gene. It is expected to result in an absent or disrupted protein product. Loss-of-function variants in CAD are known to be pathogenic (PMID: 28007989, 32117025, 32820246, 33497533). This variant is not present in population databases (gnomAD no frequency). This variant has not been reported in the literature in individuals affected with CAD-related conditions. For these reasons, this variant has been classified as Pathogenic.

Literature cited by the submitters: PubMed 28007989; PubMed 32117025; PubMed 32820246; PubMed 33497533.